The following is an entry in ClinVar:

NM_001110556.2(FLNA):c.7223G>A (p.Gly2408Asp)

Gene: FLNA (filamin A; minus strand). Cytogenetic location: Xq28.
Variant type: single nucleotide variant.
Coding change: c.7223G>A on transcript NM_001110556.2 (MANE Select); coding-DNA position 7223, G replaced by A.
Protein change: p.Gly2408Asp; replaces glycine 2408 with aspartic acid.
Molecular consequence: missense variant.
Genome position (GRCh38, 1-based): chrX:154,350,141, C>T on the plus strand (G>A on the coding strand, the complement: FLNA is on the minus strand). VCF-style: chrX-154350141-C-T. GRCh37 (hg19) VCF-style: chrX-153578509-C-T.
Other names: c.7199G>A, p.Gly2400Asp (NM_001456.4); short protein forms G2400D, G2408D.
Identifiers: ClinVar variation 4789569 (VCV004789569.1).

ClinVar aggregate classification (germline): Uncertain significance (1 of 4 stars; one submission).

Conditions:
Heterotopia, periventricular, X-linked dominant (PVNH1). Also called: PERIVENTRICULAR NODULAR HETEROTOPIA 4; HETEROTOPIA, PERIVENTRICULAR, 1; PERIVENTRICULAR NODULAR HETEROTOPIA 1; X-linked periventricular heterotopia. Identifiers: Orphanet 2149, Orphanet 82004, MedGen C1848213, MONDO:0010233, OMIM 300049.
Oto-palato-digital syndrome, type II (OPD2). Also called: Otopalatodigital Syndrome, Type II; FACIOPALATOOSSEOUS SYNDROME; OPD II SYNDROME; Otopalatodigital Syndrome Type 2 (FLNA-OPD2). Identifiers: Orphanet 669, Orphanet 90652, MedGen C1844696, MONDO:0010571, OMIM 304120.
Melnick-Needles syndrome (MNS). Also called: MELNICK-NEEDLES OSTEODYSPLASTY; OSTEODYSPLASTY OF MELNICK AND NEEDLES; Melnick-Needles Syndrome (FLNA-MNS). Identifiers: Orphanet 2484, MedGen C0025237, MONDO:0010650, OMIM 309350.
Frontometaphyseal dysplasia (FMD1). Identifiers: Orphanet 1826, MedGen C0265293, MONDO:0015942.

Submission:

Labcorp Genetics (formerly Invitae), Labcorp
Classification: Uncertain significance for Oto-palato-digital syndrome, type II; Heterotopia, periventricular, X-linked dominant; Frontometaphyseal dysplasia; Melnick-Needles syndrome. Last evaluated: 2025-07-29. Review status: criteria provided, single submitter. Criteria: Invitae Variant Classification Sherloc (09022015). Collection method: clinical testing. Allele origin: germline.
Comment: This sequence change replaces glycine, which is neutral and non-polar, with aspartic acid, which is acidic and polar, at codon 2400 of the FLNA protein (p.Gly2400Asp). This variant is not present in population databases (gnomAD no frequency). This variant has not been reported in the literature in individuals affected with FLNA-related conditions. Invitae Evidence Modeling of protein sequence and biophysical properties (such as structural, functional, and spatial information, amino acid conservation, physicochemical variation, residue mobility, and thermodynamic stability) indicates that this missense variant is not expected to disrupt FLNA protein function with a negative predictive value of 95%. In summary, the available evidence is currently insufficient to determine the role of this variant in disease. Therefore, it has been classified as a Variant of Uncertain Significance.